The following is an entry in ClinVar:

NM_144573.4(NEXN):c.52G>A (p.Val18Ile)

Gene: NEXN (nexilin F-actin binding protein; plus strand). Cytogenetic location: 1p31.1.
Variant type: single nucleotide variant.
Coding change: c.52G>A on transcript NM_144573.4 (MANE Select); coding-DNA position 52, G replaced by A.
Protein change: p.Val18Ile; replaces valine 18 with isoleucine.
Molecular consequence: missense variant. On other transcripts: intron variant (1).
Genome position (GRCh38, 1-based): chr1:77,917,590, G>A. VCF-style: chr1-77917590-G-A. GRCh37 (hg19) VCF-style: chr1-78383275-G-A.
Other names: c.28-370G>A (NM_001172309.2); short protein forms V18I.
Identifiers: ClinVar variation 1329339 (VCV001329339.3), dbSNP rs2102091643, ClinGen allele CA340885002.

ClinVar aggregate classification (germline): Uncertain significance. Review status: criteria provided, multiple submitters, no conflicts (2 of 4 stars). 2 submissions from 2 submitters: Uncertain significance (2). Last evaluated 2024-10-21.

Conditions:
Cardiomyopathy (CMYO). Also called: Cardiomyopathies. Identifiers: Orphanet 167848, MedGen C0878544, MONDO:0004994, HP:0001638. Inheritance: Various modes of inheritance.
Cardiovascular phenotype. Identifiers: MedGen CN230736.

Submissions (2):

Ambry Genetics
Classification: Uncertain significance for Cardiovascular phenotype. Last evaluated: 2024-10-21. Review status: criteria provided, single submitter. Criteria: Ambry Variant Classification Scheme 2023. Collection method: clinical testing. Allele origin: germline.
Comment: The p.V18I variant (also known as c.52G>A), located in coding exon 2 of the NEXN gene, results from a G to A substitution at nucleotide position 52. The valine at codon 18 is replaced by isoleucine, an amino acid with highly similar properties. This amino acid position is conserved. In addition, this alteration is predicted to be tolerated by in silico analysis. Based on the available evidence, the clinical significance of this variant remains unclear.

CHEO Genetics Diagnostic Laboratory, Children's Hospital of Eastern Ontario
Classification: Uncertain significance for Cardiomyopathy. Last evaluated: 2019-05-30. Review status: criteria provided, single submitter. Criteria: ACMG Guidelines, 2015. Collection method: clinical testing. Allele origin: germline.